The following is an entry in ClinVar:

NM_001382347.1(MYO5A):c.4764A>G (p.Arg1588=)

Gene: MYO5A (myosin VA; minus strand). Cytogenetic location: 15q21.2.
Variant type: single nucleotide variant.
Coding change: c.4764A>G on transcript NM_001382347.1 (MANE Select); coding-DNA position 4764, A replaced by G.
Protein change: p.Arg1588=; no amino-acid change (arginine 1588 retained).
Molecular consequence: synonymous variant.
Genome position (GRCh38, 1-based): chr15:52,323,391, T>C on the plus strand (A>G on the coding strand, the complement: MYO5A is on the minus strand). VCF-style: chr15-52323391-T-C. GRCh37 (hg19) VCF-style: chr15-52615588-T-C.
Other names: c.4689A>G, p.Arg1563= (NM_000259.3); c.4608A>G, p.Arg1536= (NM_001142495.2); c.4836A>G, p.Arg1612= (NM_001382348.1); c.4761A>G, p.Arg1587= (NM_001382349.1); c.4680A>G, p.Arg1560= (NM_001411135.1).
Identifiers: ClinVar variation 2645357 (VCV002645357.24), dbSNP rs2543416895, ClinGen allele CA490419284.

ClinVar aggregate classification (germline): Likely benign (1 of 4 stars; one submission).

Submission:

CeGaT Center for Human Genetics Tuebingen
Classification: Likely benign. Last evaluated: 2022-08-01. Review status: criteria provided, single submitter. Criteria: CeGaT Center For Human Genetics Tuebingen Variant Classification Criteria Version 2. Collection method: clinical testing. Allele origin: germline. Affected: yes. Observed: 1 variant allele.
Comment: MYO5A: PM2:Supporting, BP4, BP7